The following is an entry in ClinVar:

ClinVar aggregate classification (germline): Uncertain significance (1 of 4 stars; one submission).

Conditions:
Brugada syndrome 8 (BRGDA8). Identifiers: Orphanet 130, MedGen C2751083, MONDO:0013148, OMIM 613123.

Submission:

Labcorp Genetics (formerly Invitae), Labcorp
Classification: Uncertain significance for Brugada syndrome 8. Last evaluated: 2024-11-05. Review status: criteria provided, single submitter. Criteria: Invitae Variant Classification Sherloc (09022015). Collection method: clinical testing. Allele origin: germline.
Comment: This sequence change replaces glutamic acid, which is acidic and polar, with lysine, which is basic and polar, at codon 29 of the HCN4 protein (p.Glu29Lys). This variant is not present in population databases (gnomAD no frequency). This variant has not been reported in the literature in individuals affected with HCN4-related conditions. Invitae Evidence Modeling of protein sequence and biophysical properties (such as structural, functional, and spatial information, amino acid conservation, physicochemical variation, residue mobility, and thermodynamic stability) has been performed for this missense variant. However, the output from this modeling did not meet the statistical confidence thresholds required to predict the impact of this variant on HCN4 protein function. In summary, the available evidence is currently insufficient to determine the role of this variant in disease. Therefore, it has been classified as a Variant of Uncertain Significance.

NM_005477.3(HCN4):c.85G>A (p.Glu29Lys)

Gene: HCN4 (hyperpolarization activated cyclic nucleotide gated potassium channel 4; minus strand). Cytogenetic location: 15q24.1.
Variant type: single nucleotide variant.
Coding change: c.85G>A on transcript NM_005477.3 (MANE Select); coding-DNA position 85, G replaced by A.
Protein change: p.Glu29Lys; replaces glutamic acid 29 with lysine.
Molecular consequence: missense variant.
Genome position (GRCh38, 1-based): chr15:73,368,186, C>T on the plus strand (G>A on the coding strand, the complement: HCN4 is on the minus strand). VCF-style: chr15-73368186-C-T. GRCh37 (hg19) VCF-style: chr15-73660527-C-T.
Other names: short protein forms E29K.
Identifiers: ClinVar variation 3614892 (VCV003614892.2).